The following is an entry in ClinVar:

ClinVar aggregate classification (germline): Uncertain significance. Review status: criteria provided, multiple submitters, no conflicts (2 of 4 stars). 2 submissions from 2 submitters: Uncertain significance (2). Last evaluated 2025-10-20.

Allele frequency attached by ClinVar (database versions not stated): gnomAD exomes below 0.00001.
gnomAD v4.1: 1 of 1,605,430 alleles (0.000062%); highest among the groups gnomAD compares: Non-Finnish European, 0.000085%; no homozygotes.

Submissions (2):

GeneDx
Classification: Uncertain significance. Last evaluated: 2025-10-20. Review status: criteria provided, single submitter. Criteria: GeneDx Variant Classification Process June 2021. Collection method: clinical testing. Allele origin: germline. Affected: yes.
Comment: Not observed at significant frequency in large population cohorts (gnomAD); Nonsense variant predicted to result in protein truncation or nonsense mediated decay in a gene or region of a gene for which loss of function is not a well-established mechanism of disease; Has not been previously published as pathogenic or benign to our knowledge

Labcorp Genetics (formerly Invitae), Labcorp
Classification: Uncertain significance. Last evaluated: 2023-06-20. Review status: criteria provided, single submitter. Criteria: Invitae Variant Classification Sherloc (09022015). Collection method: clinical testing. Allele origin: germline.
Comment: This sequence change creates a premature translational stop signal (p.Arg167*) in the PPP2R1A gene. It is expected to result in an absent or disrupted protein product. However, the current clinical and genetic evidence is not sufficient to establish whether loss-of-function variants in PPP2R1A cause disease. This variant is not present in population databases (gnomAD no frequency). This variant has not been reported in the literature in individuals affected with PPP2R1A-related conditions. ClinVar contains an entry for this variant (Variation ID: 1219294). In summary, the available evidence is currently insufficient to determine the role of this variant in disease. Therefore, it has been classified as a Variant of Uncertain Significance.

NM_014225.6(PPP2R1A):c.499C>T (p.Arg167Ter)

Gene: PPP2R1A (protein phosphatase 2 scaffold subunit Aalpha; plus strand). Cytogenetic location: 19q13.41.
Variant type: single nucleotide variant.
Coding change: c.499C>T on transcript NM_014225.6 (MANE Select); coding-DNA position 499, C replaced by T.
Protein change: p.Arg167Ter; replaces arginine 167 with a stop codon.
Molecular consequence: nonsense. On other transcripts: 5 prime UTR variant (1), non-coding transcript variant (1).
Genome position (GRCh38, 1-based): chr19:52,211,488, C>T. VCF-style: chr19-52211488-C-T. GRCh37 (hg19) VCF-style: chr19-52714741-C-T.
Other names: c.-39C>T (NM_001363656.2); short protein forms R167*.
Identifiers: ClinVar variation 1219294 (VCV001219294.9), dbSNP rs2122330457, ClinGen allele CA407183137.